The following is an entry in ClinVar:

ClinVar aggregate classification (germline): Uncertain significance (1 of 4 stars; one submission).

Conditions:
FOXC1-related disorder. Also called: FOXC1-related condition.

Submission:

PreventionGenetics, part of Exact Sciences
Classification: Uncertain significance for FOXC1-related condition. Last evaluated: 2023-01-09. Review status: criteria provided, single submitter. Criteria: ACMG Guidelines, 2015. Collection method: clinical testing. Allele origin: germline.
Comment: The FOXC1 c.1313G>T variant is predicted to result in the amino acid substitution p.Ser438Ile. To our knowledge, this variant has not been reported in the literature or in a large population database, indicating this variant is rare. At this time, the clinical significance of this variant is uncertain due to the absence of conclusive functional and genetic evidence.

NM_001453.3(FOXC1):c.1313G>T (p.Ser438Ile)

Gene: FOXC1 (forkhead box C1; plus strand). Cytogenetic location: 6p25.3.
Variant type: single nucleotide variant.
Coding change: c.1313G>T on transcript NM_001453.3 (MANE Select); coding-DNA position 1313, G replaced by T.
Protein change: p.Ser438Ile; replaces serine 438 with isoleucine.
Molecular consequence: missense variant.
Genome position (GRCh38, 1-based): chr6:1,611,758, G>T. VCF-style: chr6-1611758-G-T. GRCh37 (hg19) VCF-style: chr6-1611993-G-T.
Other names: short protein forms S438I.
Identifiers: ClinVar variation 2629939 (VCV002629939.1), dbSNP rs2480506618, ClinGen allele CA362560658.